The following is an entry in ClinVar:

ClinVar aggregate classification (germline): Uncertain significance (1 of 4 stars; one submission).

gnomAD v4.1: 7 of 1,613,918 alleles (0.00043%); highest among the groups gnomAD compares: Admixed American, 0.005%; no homozygotes.

Submission:

CeGaT Center for Human Genetics Tuebingen
Classification: Uncertain significance. Last evaluated: 2026-06-01. Review status: criteria provided, single submitter. Criteria: CeGaT Center For Human Genetics Tuebingen Variant Classification Criteria Version 2. Collection method: clinical testing. Allele origin: germline. Affected: yes. Observed: 1 variant allele.
Comment: PLD1: PM2, PM3:Supporting

NM_002662.5(PLD1):c.2866C>T (p.Arg956Trp)

Gene: PLD1 (phospholipase D1; minus strand). Cytogenetic location: 3q26.31.
Variant type: single nucleotide variant.
Coding change: c.2866C>T on transcript NM_002662.5 (MANE Select); coding-DNA position 2866, C replaced by T.
Protein change: p.Arg956Trp; replaces arginine 956 with tryptophan.
Molecular consequence: missense variant.
Genome position (GRCh38, 1-based): chr3:171,612,295, G>A on the plus strand (C>T on the coding strand, the complement: PLD1 is on the minus strand). VCF-style: chr3-171612295-G-A. GRCh37 (hg19) VCF-style: chr3-171330085-G-A.
Other names: c.2752C>T, p.Arg918Trp (NM_001130081.3); short protein forms R918W, R956W.
Identifiers: ClinVar variation 5040003 (VCV005040003.1).
Genomic context (GRCh38, chr3:171,612,295, plus strand): 5'-CTGCAGTGGAAATGCATCAGAGAGACACACTTTGGCGGACTGACCTAAAGCACTGTAGCC[G>A]AAGTCCTCGGGCAAACCGGCCAGCTTGGTACTCTTTTCCATCCATTACTGAAGGAACAGT-3'
Protein context (NP_002653.1, residues 946-966): YQAGRFARGL[Arg956Trp]LQCFRVVLGY